The following is an entry in ClinVar:

NM_022166.4(XYLT1):c.1216C>T (p.Arg406Trp)

Gene: XYLT1 (xylosyltransferase 1; minus strand). Cytogenetic location: 16p12.3.
Variant type: single nucleotide variant.
Coding change: c.1216C>T on transcript NM_022166.4 (MANE Select); coding-DNA position 1216, C replaced by T.
Protein change: p.Arg406Trp; replaces arginine 406 with tryptophan.
Molecular consequence: missense variant.
Genome position (GRCh38, 1-based): chr16:17,198,285, G>A on the plus strand (C>T on the coding strand, the complement: XYLT1 is on the minus strand). VCF-style: chr16-17198285-G-A. GRCh37 (hg19) VCF-style: chr16-17292142-G-A.
Other names: short protein forms R406W.
Identifiers: ClinVar variation 808014 (VCV000808014.48), dbSNP rs201009902, ClinGen allele CA7927990.

ClinVar aggregate classification (germline): Uncertain significance. Review status: criteria provided, multiple submitters, no conflicts (2 of 4 stars). 3 submissions from 3 submitters: Uncertain significance (3). Last evaluated 2022-07-11.

Conditions:
Desbuquois dysplasia 2 (DBQD2). Also called: Baratela-Scott syndrome. Identifiers: Orphanet 1425, MedGen C4014294, MONDO:0014343, OMIM 615777.
Desbuquois dysplasia 1 (DBQD1). Also called: DESBUQUOIS DYSPLASIA 1, KIM VARIANT; MICROMELIC DWARFISM WITH VERTEBRAL AND METAPHYSEAL ABNORMALITIES AND ADVANCED CARPOTARSAL OSSIFICATION. Identifiers: Orphanet 1425, MedGen C4012146, MONDO:0009629, OMIM 251450.

Allele frequency attached by ClinVar (database versions not stated): TOPMed 0.00008; gnomAD 0.00005 and 0.00006; gnomAD exomes 0.00006 and 0.00008; ExAC 0.00007; ESP Exome Variant Server 0.00008.
gnomAD v4.1: 101 of 1,614,072 alleles (0.0063%); highest among the groups gnomAD compares: Non-Finnish European, 0.0079%; 1 homozygote.

Submissions (4):

Labcorp Genetics (formerly Invitae), Labcorp
Classification: Uncertain significance for Desbuquois dysplasia 1. Last evaluated: 2022-07-11. Review status: criteria provided, single submitter. Criteria: Invitae Variant Classification Sherloc (09022015). Collection method: clinical testing. Allele origin: germline.
Comment: This sequence change replaces arginine, which is basic and polar, with tryptophan, which is neutral and slightly polar, at codon 406 of the XYLT1 protein (p.Arg406Trp). This variant is present in population databases (rs201009902, gnomAD 0.01%). This missense change has been observed in individual(s) with pseudoxanthoma elasticum (PMID: 16571645). ClinVar contains an entry for this variant (Variation ID: 808014). Algorithms developed to predict the effect of missense changes on protein structure and function (SIFT, PolyPhen-2, Align-GVGD) all suggest that this variant is likely to be disruptive. In summary, the available evidence is currently insufficient to determine the role of this variant in disease. Therefore, it has been classified as a Variant of Uncertain Significance.

Baylor Genetics
Classification: Uncertain significance for Desbuquois dysplasia 2. Last evaluated: 2018-08-14. Review status: criteria provided, single submitter. Criteria: ACMG Guidelines, 2015. Collection method: clinical testing. Allele origin: maternal. Affected: yes.
Comment: This variant was determined to be of uncertain significance according to ACMG Guidelines, 2015 [PMID:25741868].

CeGaT Center for Human Genetics Tuebingen
Classification: Uncertain significance. Last evaluated: 2018-07-01. Review status: criteria provided, single submitter. Criteria: CeGaT Center For Human Genetics Tuebingen Variant Classification Criteria Version 2. Collection method: clinical testing. Allele origin: germline. Affected: yes. Observed: 1 variant allele.

Dr. Peter K. Rogan Lab, Western University
No classification provided (evidence only). Condition: Malignant tumor of esophagus. Review status: no classification provided. Collection method: in vitro. Allele origin: not applicable. Functional consequence: retained intron. Not counted in ClinVar's aggregate classification.

Literature cited by the submitters: PubMed 16571645 (cited by Labcorp Genetics (formerly Invitae), Labcorp).